The following is an entry in ClinVar:

NM_005477.3(HCN4):c.1027A>G (p.Met343Val)

Genes: HCN4 (hyperpolarization activated cyclic nucleotide gated potassium channel 4; minus strand), LOC105370890 (uncharacterized LOC105370890; plus strand), LOC126862173 (CDK7 strongly-dependent group 2 enhancer GRCh37_chr15:73635762-73636961; plus strand). Cytogenetic location: 15q24.1.
Variant type: single nucleotide variant.
Coding change: c.1027A>G on transcript NM_005477.3 (MANE Select); coding-DNA position 1027, A replaced by G.
Protein change: p.Met343Val; replaces methionine 343 with valine.
Molecular consequence: missense variant.
Genome position (GRCh38, 1-based): chr15:73,343,567, T>C on the plus strand (A>G on the coding strand, the complement: HCN4 is on the minus strand). VCF-style: chr15-73343567-T-C. GRCh37 (hg19) VCF-style: chr15-73635908-T-C.
Other names: short protein forms M343V.
Identifiers: ClinVar variation 848292 (VCV000848292.15), dbSNP rs185719200, ClinGen allele CA7649381.

ClinVar aggregate classification (germline): Conflicting classifications of pathogenicity. Review status: criteria provided, conflicting classifications (1 of 4 stars). 4 submissions from 4 submitters: Uncertain significance (1); Likely benign (3). Last evaluated 2025-04-09.

Conditions:
Brugada syndrome 8 (BRGDA8). Identifiers: Orphanet 130, MedGen C2751083, MONDO:0013148, OMIM 613123.
Cardiovascular phenotype. Identifiers: MedGen CN230736.

Allele frequency attached by ClinVar (database versions not stated): gnomAD 0.00001; ExAC 0.00004; gnomAD exomes 0.00004; 1000 Genomes Project 0.00020; 1000 Genomes Project 30x 0.00031.
gnomAD v4.1: 11 of 1,614,208 alleles (0.00068%); highest among the groups gnomAD compares: East Asian, 0.016%; no homozygotes.

Submissions (4):

Molecular Diagnostic Laboratory for Inherited Cardiovascular Disease, Montreal Heart Institute
Classification: Likely benign. Last evaluated: 2025-04-09. Review status: criteria provided, single submitter. Criteria: ACMG Guidelines, 2015. Collection method: clinical testing. Allele origin: germline. Affected: no.
Comment: BP4, BP6

Labcorp Genetics (formerly Invitae), Labcorp
Classification: Likely benign for Brugada syndrome 8. Last evaluated: 2025-03-15. Review status: criteria provided, single submitter. Criteria: Invitae Variant Classification Sherloc (09022015). Collection method: clinical testing. Allele origin: germline.

GeneDx
Classification: Uncertain significance. Last evaluated: 2024-03-24. Review status: criteria provided, single submitter. Criteria: GeneDx Variant Classification Process June 2021. Collection method: clinical testing. Allele origin: germline. Affected: yes.
Comment: Has not been previously published as pathogenic or benign to our knowledge; In silico analysis supports that this missense variant does not alter protein structure/function

Ambry Genetics
Classification: Likely benign for Cardiovascular phenotype. Last evaluated: 2023-02-15. Review status: criteria provided, single submitter. Criteria: Ambry Variant Classification Scheme 2023. Collection method: clinical testing. Allele origin: germline.